The following is an entry in ClinVar:

NM_001353788.2(APBA2):c.33C>T (p.Ser11=)

Gene: APBA2 (amyloid beta precursor protein binding family A member 2; plus strand). Cytogenetic location: 15q13.1.
Variant type: single nucleotide variant.
Coding change: c.33C>T on transcript NM_001353788.2 (MANE Select); coding-DNA position 33, C replaced by T.
Protein change: p.Ser11=; no amino-acid change (serine 11 retained).
Molecular consequence: synonymous variant.
Genome position (GRCh38, 1-based): chr15:29,053,917, C>T. VCF-style: chr15-29053917-C-T. GRCh37 (hg19) VCF-style: chr15-29346120-C-T.
Other names: c.33C>T, p.Ser11= (NM_001130414.1, NM_001353789.2, NM_001353790.2 and 6 more transcripts).
Identifiers: ClinVar variation 715862 (VCV000715862.7), dbSNP rs116221298, ClinGen allele CA7445013.

ClinVar aggregate classification (germline): Benign. Review status: criteria provided, multiple submitters, no conflicts (2 of 4 stars). 3 submissions from 3 submitters: Benign (2). 1 of the submissions does not count toward it. Last evaluated 2019-12-31.

Conditions:
APBA2-related disorder. Also called: APBA2-related condition.

Allele frequency attached by ClinVar (database versions not stated): gnomAD exomes 0.00060 and 0.00166; ExAC 0.00218; gnomAD 0.00682 and 0.00727; ESP Exome Variant Server 0.00723; TOPMed 0.00754; 1000 Genomes Project 30x 0.00765; 1000 Genomes Project 0.00779.
gnomAD v4.1: 1,925 of 1,612,646 alleles (0.12%); highest among the groups gnomAD compares: African/African-American, 2.3%; 22 homozygotes.

Submissions (3):

Labcorp Genetics (formerly Invitae), Labcorp
Classification: Benign. Last evaluated: 2019-12-31. Review status: criteria provided, single submitter. Criteria: Invitae Variant Classification Sherloc (09022015). Collection method: clinical testing. Allele origin: germline.

Breakthrough Genomics
Classification: Benign. Review status: criteria provided, single submitter. Criteria: ACMG Guidelines, 2015. Collection method: not provided. Allele origin: germline. Inheritance: Unknown mechanism. Affected: yes.

PreventionGenetics, part of Exact Sciences
Classification: Benign for APBA2-related condition. Last evaluated: 2019-02-19. Review status: no assertion criteria provided. Collection method: clinical testing. Allele origin: germline. Not counted in ClinVar's aggregate classification.
Comment: This variant is classified as benign based on ACMG/AMP sequence variant interpretation guidelines (Richards et al. 2015 PMID: 25741868, with internal and published modifications).